The following is an entry in ClinVar:

ClinVar aggregate classification (germline): Uncertain significance (1 of 4 stars; one submission).

Submission:

Greenwood Genetic Center Diagnostic Laboratories, Greenwood Genetic Center
Classification: Uncertain significance. Last evaluated: 2023-04-05. Review status: criteria provided, single submitter. Criteria: ACMG Guidelines, 2015. Collection method: clinical testing. Allele origin: germline. Affected: yes.
Comment: PM2, BP4

NM_014271.4(IL1RAPL1):c.279A>G (p.Gly93=)

Gene: IL1RAPL1 (interleukin 1 receptor accessory protein like 1; plus strand). Cytogenetic location: Xp21.3.
Variant type: single nucleotide variant.
Coding change: c.279A>G on transcript NM_014271.4 (MANE Select); coding-DNA position 279, A replaced by G.
Protein change: p.Gly93=; no amino-acid change (glycine 93 retained).
Molecular consequence: synonymous variant.
Genome position (GRCh38, 1-based): chrX:29,283,134, A>G. VCF-style: chrX-29283134-A-G. GRCh37 (hg19) VCF-style: chrX-29301251-A-G.
Identifiers: ClinVar variation 2572242 (VCV002572242.1), dbSNP rs2518997772, ClinGen allele CA515952125.